The following is an entry in ClinVar:

ClinVar aggregate classification (germline): Uncertain significance (1 of 4 stars; one submission).

Conditions:
Inborn genetic diseases. Identifiers: MedGen C0950123, MeSH D030342.

Submission:

Ambry Genetics
Classification: Uncertain significance for Inborn genetic diseases. Last evaluated: 2025-05-05. Review status: criteria provided, single submitter. Criteria: Ambry Variant Classification Scheme 2023. Collection method: clinical testing. Allele origin: germline.
Comment: The p.P332S variant (also known as c.994C>T), located in coding exon 8 of the FANCG gene, results from a C to T substitution at nucleotide position 994. The proline at codon 332 is replaced by serine, an amino acid with similar properties. This amino acid position is conserved. In addition, this alteration is predicted to be tolerated by in silico analysis. Based on the available evidence, the clinical significance of this variant remains unclear.

NM_004629.2(FANCG):c.994C>T (p.Pro332Ser)

Gene: FANCG (FA complementation group G; minus strand). Cytogenetic location: 9p13.3.
Variant type: single nucleotide variant.
Coding change: c.994C>T on transcript NM_004629.2 (MANE Select); coding-DNA position 994, C replaced by T.
Protein change: p.Pro332Ser; replaces proline 332 with serine.
Molecular consequence: missense variant.
Genome position (GRCh38, 1-based): chr9:35,076,514, G>A on the plus strand (C>T on the coding strand, the complement: FANCG is on the minus strand). VCF-style: chr9-35076514-G-A. GRCh37 (hg19) VCF-style: chr9-35076511-G-A.
Other names: short protein forms P332S.
Identifiers: ClinVar variation 4022512 (VCV004022512.1).